The following is an entry in ClinVar:

ClinVar aggregate classification (germline): Pathogenic. Review status: criteria provided, multiple submitters, no conflicts (2 of 4 stars). 3 submissions from 3 submitters: Pathogenic (2). 1 of the submissions does not count toward it. Last evaluated 2025-06-03.

Conditions:
Glycine encephalopathy. Also called: Non-ketotic hyperglycinemia; Nonketotic hyperglycinemia. Identifiers: Orphanet 407, MedGen C0751748, MONDO:0011612, HP:0008288.

Allele frequency attached by ClinVar (database versions not stated): gnomAD exomes below 0.00001.

Submissions (3):

GeneDx
Classification: Pathogenic. Last evaluated: 2025-06-03. Review status: criteria provided, single submitter. Criteria: GeneDx Variant Classification Process June 2021. Collection method: clinical testing. Allele origin: germline. Affected: yes.
Comment: Not observed at significant frequency in large population cohorts (gnomAD); Frameshift variant predicted to result in protein truncation or nonsense mediated decay in a gene for which loss of function is a known mechanism of disease; This variant is associated with the following publications: (PMID: 28468868)

Labcorp Genetics (formerly Invitae), Labcorp
Classification: Pathogenic for Glycine encephalopathy. Last evaluated: 2024-01-28. Review status: criteria provided, single submitter. Criteria: Invitae Variant Classification Sherloc (09022015). Collection method: clinical testing. Allele origin: germline.
Comment: This sequence change creates a premature translational stop signal (p.Asn543Lysfs*10) in the GLDC gene. It is expected to result in an absent or disrupted protein product. Loss-of-function variants in GLDC are known to be pathogenic (PMID: 16601880). This variant is present in population databases (no rsID available, gnomAD 0.003%). This premature translational stop signal has been observed in individual(s) with non-ketotic hyperglycinaemia (PMID: 28468868). ClinVar contains an entry for this variant (Variation ID: 657819). Algorithms developed to predict the effect of sequence changes on RNA splicing suggest that this variant may disrupt the consensus splice site. For these reasons, this variant has been classified as Pathogenic.

Natera, Inc.
Classification: Pathogenic for Non-ketotic hyperglycinemia. Last evaluated: 2021-07-06. Review status: no assertion criteria provided. Collection method: clinical testing. Allele origin: germline. Not counted in ClinVar's aggregate classification.

Literature cited by the submitters: PubMed 16601880 (cited by Labcorp Genetics (formerly Invitae), Labcorp); PubMed 28468868 (cited by Labcorp Genetics (formerly Invitae), Labcorp).

NM_000170.3(GLDC):c.1629del (p.Asn543fs)

Gene: GLDC (glycine decarboxylase; minus strand). Cytogenetic location: 9p24.1.
Variant type: Deletion.
Coding change: c.1629del on transcript NM_000170.3 (MANE Select); coding-DNA position 1629, one base deleted (T; older notation c.1629delT).
Protein change: p.Asn543fs; shifts the reading frame from asparagine 543.
Molecular consequence: frameshift variant.
Genome position (GRCh38, 1-based): chr9:6,588,654, A deleted on the plus strand (T on the coding strand, the reverse complement: GLDC is on the minus strand). VCF-style (leftmost placement, unchanged base first): chr9-6588653-TA-T. GRCh37 (hg19) VCF-style: chr9-6588653-TA-T.
Other names: c.1629delT (NM_000170.2); c.1629del (NM_000170.2); short protein forms N543fs.
Identifiers: ClinVar variation 657819 (VCV000657819.13), dbSNP rs1345599468, ClinGen allele CA585768855.
Genomic context (GRCh38, chr9:6,588,653, plus strand): 5'-GAGAAAAAAGGCCACAAATAACTACCAGTGGAATCATGCTGTGAACAAGGGAAATGTCTT[TA>T]TTTTCCAGTTTCTTCATGTACCGGACAATGTTTGTTTCAGAGTGGTAGCTGTGAACACAA-3'